The following is an entry in ClinVar:

ClinVar aggregate classification (germline): Benign/Likely benign. Review status: criteria provided, multiple submitters, no conflicts (2 of 4 stars). 17 submissions from 16 submitters: Benign (2); Likely benign (9). 6 of the submissions do not count toward it. Last evaluated 2026-01-19.

Conditions:
BRIP1-related disorder. Also called: BRIP1-related condition; BRIP1-related disorders. Identifiers: MedGen CN239206.
Hereditary cancer-predisposing syndrome. Also called: Tumor predisposition; Neoplastic Syndromes, Hereditary; Hereditary neoplastic syndrome; Hereditary Cancer Syndrome. Identifiers: Orphanet 140162, MedGen C0027672, MeSH D009386, MONDO:0015356.
Breast and/or ovarian cancer. Identifiers: MedGen CN221562.
Ovarian cancer. Also called: OVARIAN CANCER, SOMATIC. Identifiers: Orphanet 213500, MedGen C1140680, MONDO:0008170, OMIM 167000.
Fanconi anemia complementation group J. Also called: BRIP1-Related Fanconi Anemia. Identifiers: Orphanet 84, MedGen C1836860, MONDO:0012187, OMIM 609054.
Familial cancer of breast. Also called: BREAST CANCER, FAMILIAL; hereditary breast carcinoma; Hereditary breast cancer. Identifiers: Orphanet 227535, MedGen C0346153, MONDO:0016419, OMIM 114480. Disease mechanism: loss of function.
Malignant tumor of breast. Also called: Malignant breast neoplasm; Cancer breast. Identifiers: MedGen C0006142, MONDO:0007254. Disease mechanism: loss of function.

Allele frequency attached by ClinVar (database versions not stated): ExAC 0.00002; gnomAD 0.00003; TOPMed 0.00003; gnomAD exomes 0.00005 and 0.00009; ESP Exome Variant Server 0.00015.
gnomAD v4.1: 140 of 1,613,816 alleles (0.0087%); highest among the groups gnomAD compares: Non-Finnish European, 0.011%; no homozygotes.

Submissions (17):

Labcorp Genetics (formerly Invitae), Labcorp
Classification: Likely benign for Familial cancer of breast; Fanconi anemia complementation group J. Last evaluated: 2026-01-19. Review status: criteria provided, single submitter. Criteria: Invitae Variant Classification Sherloc (09022015). Collection method: clinical testing. Allele origin: germline.

Quest Diagnostics Nichols Institute San Juan Capistrano
Classification: Likely benign. Last evaluated: 2025-10-28. Review status: criteria provided, single submitter. Criteria: Quest Diagnostics criteria. Collection method: clinical testing. Allele origin: unknown.

Blueprint Genetics
Classification: Likely benign. Last evaluated: 2023-12-13. Review status: criteria provided, single submitter. Criteria: ACMG Guidelines, 2015. Collection method: clinical testing. Allele origin: germline.

Myriad Genetics, Inc.
Classification: Benign for Familial cancer of breast. Last evaluated: 2023-02-28. Review status: criteria provided, single submitter. Criteria: Myriad Autosomal Dominant, Autosomal Recessive and X-Linked Classification Criteria (2023). Collection method: clinical testing. Allele origin: unknown.
Comment: This variant is considered benign. This variant is a silent/synonymous amino acid change and it is not expected to impact splicing.

CHEO Genetics Diagnostic Laboratory, Children's Hospital of Eastern Ontario
Classification: Likely benign for Breast and/or ovarian cancer. Last evaluated: 2022-08-18. Review status: criteria provided, single submitter. Criteria: ACMG Guidelines, 2015. Collection method: clinical testing. Allele origin: germline.

Women's Health and Genetics/Laboratory Corporation of America, LabCorp
Classification: Likely benign. Last evaluated: 2022-07-23. Review status: criteria provided, single submitter. Criteria: LabCorp Variant Classification Summary - May 2015. Collection method: clinical testing. Allele origin: germline.

Mendelics
Classification: Likely benign for Familial cancer of breast. Last evaluated: 2019-05-28. Review status: criteria provided, single submitter. Criteria: Mendelics Assertion Criteria 2017. Collection method: clinical testing. Allele origin: unknown.

Color Diagnostics, LLC DBA Color Health
Classification: Likely benign for Hereditary cancer-predisposing syndrome. Last evaluated: 2015-11-30. Review status: criteria provided, single submitter. Criteria: ACMG Guidelines, 2015. Collection method: clinical testing. Allele origin: germline.

GeneDx
Classification: Benign. Last evaluated: 2015-06-12. Review status: criteria provided, single submitter. Criteria: GeneDx Variant Classification (06012015). Collection method: clinical testing. Allele origin: germline. Affected: yes.
Comment: This variant is considered likely benign or benign based on one or more of the following criteria: it is a conservative change, it occurs at a poorly conserved position in the protein, it is predicted to be benign by multiple in silico algorithms, and/or has population frequency not consistent with disease.

Ambry Genetics
Classification: Likely benign for Hereditary cancer-predisposing syndrome. Last evaluated: 2014-08-12. Review status: criteria provided, single submitter. Criteria: Ambry Variant Classification Scheme 2023. Collection method: clinical testing. Allele origin: germline.

Breakthrough Genomics
Classification: Likely benign. Review status: criteria provided, single submitter. Criteria: ACMG Guidelines, 2015. Collection method: not provided. Allele origin: germline. Inheritance: Autosomal dominant inheritance. Affected: yes.

Institute for Biomarker Research, Medical Diagnostic Laboratories, L.L.C.
Classification: Likely benign for Hereditary cancer-predisposing syndrome. Last evaluated: 2021-09-27. Review status: no assertion criteria provided. Collection method: clinical testing. Allele origin: germline. Not counted in ClinVar's aggregate classification.

PreventionGenetics, part of Exact Sciences
Classification: Likely benign for BRIP1-related condition. Last evaluated: 2019-04-29. Review status: no assertion criteria provided. Collection method: clinical testing. Allele origin: germline. Not counted in ClinVar's aggregate classification.
Comment: This variant is classified as likely benign based on ACMG/AMP sequence variant interpretation guidelines (Richards et al. 2015 PMID: 25741868, with internal and published modifications).

True Health Diagnostics
Classification: Likely benign for Hereditary cancer-predisposing syndrome. Last evaluated: 2018-05-29. Review status: no assertion criteria provided. Collection method: clinical testing. Allele origin: germline. Not counted in ClinVar's aggregate classification.

Counsyl
Classification: Likely benign for Fanconi anemia complementation group J. Last evaluated: 2016-08-09. Review status: no assertion criteria provided. Collection method: clinical testing. Allele origin: unknown. Not counted in ClinVar's aggregate classification.

Counsyl
Classification: Likely benign for Ovarian cancer. Last evaluated: 2016-08-09. Review status: no assertion criteria provided. Collection method: clinical testing. Allele origin: unknown. Not counted in ClinVar's aggregate classification.

Department of Pathology and Laboratory Medicine, Sinai Health System
Classification: Likely benign for Malignant tumor of breast. Review status: no assertion criteria provided. Collection method: clinical testing. Allele origin: unknown. Affected: yes. Observed: 2 variant alleles. Study: The Canadian Open Genetics Repository (COGR). Not counted in ClinVar's aggregate classification.
Comment: The BRIP1 p.Lys234Lys variant was not identified in the literature nor was it identified in the Cosmic, MutDB, and Zhejiang Colon Cancer databases. The variant was identified in dbSNP (ID: rs45512798) as â€šÃ„ÃºWith Likely benign alleleâ€šÃ„Ã¹, in ClinVar and Clinvitae databases as benign by GeneDx and as likely benign by Ambry Genetics, Invitae, Counsyl and Colon Genomics Inc. The variant was identified in the NHLBI GO Exome Sequencing Project in 1 of 8600 European American and 1 of 4406 African American alleles. The variant was identified in control databases in 12 of 245898 chromosomes at a frequency of 0.00005 (Genome Aggregation Database Feb 27, 2017). Observations by population include African in 1 of 15302 chromosomes (freq: 0.00006), European Non-Finnish in 11 of 111400 chromosomes (freq: 0.0001); the variant was not observed in the â€šÃ„ÃºOtherâ€šÃ„Ã¹, Latino, Ashkenazi Jewish, East Asian, European Finnish, and South Asian populations. The p.Lys234= variant is not expected to have clinical significance because it does not result in a change of amino acid and is not located in a known consensus splice site. In addition, in silico or computational prediction software programs (SpliceSiteFinder, MaxEntScan, NNSPLICE, GeneSplicer, HumanSpliceFinder) do not predict a difference in splicing. In summary, based on the above information the clinical significance of this variant cannot be determined with certainty at this time although we would lean towards a more benign role for this variant. This variant is classified as likely benign.

NM_032043.3(BRIP1):c.702G>A (p.Lys234=)

Gene: BRIP1 (BRCA1 interacting DNA helicase 1; minus strand). Cytogenetic location: 17q23.2.
Variant type: single nucleotide variant.
Coding change: c.702G>A on transcript NM_032043.3 (MANE Select); coding-DNA position 702, G replaced by A.
Protein change: p.Lys234=; no amino-acid change (lysine 234 retained).
Molecular consequence: synonymous variant.
Genome position (GRCh38, 1-based): chr17:61,808,683, C>T on the plus strand (G>A on the coding strand, the complement: BRIP1 is on the minus strand). VCF-style: chr17-61808683-C-T. GRCh37 (hg19) VCF-style: chr17-59886044-C-T.
Identifiers: ClinVar variation 183895 (VCV000183895.32), dbSNP rs45512798, ClinGen allele CA186891.